The following is an entry in ClinVar:

ClinVar aggregate classification (germline): Uncertain significance (1 of 4 stars; one submission).

Conditions:
Cardiovascular phenotype. Identifiers: MedGen CN230736.

Submission:

Ambry Genetics
Classification: Uncertain significance for Cardiovascular phenotype. Last evaluated: 2025-05-18. Review status: criteria provided, single submitter. Criteria: Ambry Variant Classification Scheme 2023. Collection method: clinical testing. Allele origin: germline.
Comment: The p.L18M variant (also known as c.52C>A), located in coding exon 1 of the LCAT gene, results from a C to A substitution at nucleotide position 52. The leucine at codon 18 is replaced by methionine, an amino acid with highly similar properties. This amino acid position is conserved. In addition, the in silico prediction for this alteration is inconclusive. Based on the available evidence, the clinical significance of this variant remains unclear.

NM_000229.2(LCAT):c.52C>A (p.Leu18Met)

Genes: LCAT (lecithin-cholesterol acyltransferase; minus strand), SLC12A4 (solute carrier family 12 member 4; minus strand). Cytogenetic location: 16q22.1.
Variant type: single nucleotide variant.
Coding change: c.52C>A on transcript NM_000229.2 (MANE Select); coding-DNA position 52, C replaced by A.
Protein change: p.Leu18Met; replaces leucine 18 with methionine.
Molecular consequence: missense variant. On other transcripts: 3 prime UTR variant (5).
Genome position (GRCh38, 1-based): chr16:67,944,050, G>T on the plus strand (C>A on the coding strand, the complement: LCAT is on the minus strand). VCF-style: chr16-67944050-G-T. GRCh37 (hg19) VCF-style: chr16-67977953-G-T.
Other names: c.*790C>A (NM_001145961.2, NM_001145962.1, NM_001145963.2 and 2 more transcripts); short protein forms L18M.
Identifiers: ClinVar variation 4046473 (VCV004046473.1).
Genomic context (GRCh38, chr16:67,944,050, plus strand): 5'-GCGTGGTGTGCGGGGGGAAGAGCACATTGAGGAGCCAGAAGGGGGCGGCAGGAGGGAGCA[G>T]CAGCCCCAGCAGCAGCGTCACCCACTGCCATGGGGAGCCGGGCGGCCCCATTCCAGCCCT-3'
Protein context (NP_000220.1, residues 8-28): WQWVTLLLGL[Leu18Met]LPPAAPFWLL